The following is an entry in ClinVar:

NM_001384732.1(CPLANE1):c.9413C>T (p.Pro3138Leu)

Gene: CPLANE1 (ciliogenesis and planar polarity effector complex subunit 1; minus strand). Cytogenetic location: 5p13.2.
Variant type: single nucleotide variant.
Coding change: c.9413C>T on transcript NM_001384732.1 (MANE Select); coding-DNA position 9413, C replaced by T.
Protein change: p.Pro3138Leu; replaces proline 3138 with leucine.
Molecular consequence: missense variant.
Genome position (GRCh38, 1-based): chr5:37,108,459, G>A on the plus strand (C>T on the coding strand, the complement: CPLANE1 is on the minus strand). VCF-style: chr5-37108459-G-A. GRCh37 (hg19) VCF-style: chr5-37108561-G-A.
Other names: c.9251C>T, p.Pro3084Leu (NM_023073.4); short protein forms P3084L, P3138L.
Identifiers: ClinVar variation 2181060 (VCV002181060.3), dbSNP rs747597826, ClinGen allele CA3237451.

ClinVar aggregate classification (germline): Uncertain significance (1 of 4 stars; one submission).

Allele frequency attached by ClinVar (database versions not stated): ExAC 0.00001.
gnomAD v4.1: 23 of 1,613,090 alleles (0.0014%); highest among the groups gnomAD compares: African/African-American, 0.004%; no homozygotes.

Submission:

Labcorp Genetics (formerly Invitae), Labcorp
Classification: Uncertain significance. Last evaluated: 2024-01-29. Review status: criteria provided, single submitter. Criteria: Invitae Variant Classification Sherloc (09022015). Collection method: clinical testing. Allele origin: germline.
Comment: This sequence change replaces proline, which is neutral and non-polar, with leucine, which is neutral and non-polar, at codon 3084 of the CPLANE1 protein (p.Pro3084Leu). This variant is present in population databases (rs747597826, gnomAD 0.007%). This variant has not been reported in the literature in individuals affected with CPLANE1-related conditions. ClinVar contains an entry for this variant (Variation ID: 2181060). Advanced modeling of protein sequence and biophysical properties (such as structural, functional, and spatial information, amino acid conservation, physicochemical variation, residue mobility, and thermodynamic stability) performed at Invitae indicates that this missense variant is not expected to disrupt CPLANE1 protein function with a negative predictive value of 95%. Algorithms developed to predict the effect of sequence changes on RNA splicing suggest that this variant may disrupt the consensus splice site. In summary, the available evidence is currently insufficient to determine the role of this variant in disease. Therefore, it has been classified as a Variant of Uncertain Significance.